The following is an entry in ClinVar:

NM_019594.4(LRRC8A):c.1397C>T (p.Ala466Val)

Gene: LRRC8A (leucine rich repeat containing 8 VRAC subunit A; plus strand). Cytogenetic location: 9q34.11.
Variant type: single nucleotide variant.
Coding change: c.1397C>T on transcript NM_019594.4 (MANE Select); coding-DNA position 1397, C replaced by T.
Protein change: p.Ala466Val; replaces alanine 466 with valine.
Molecular consequence: missense variant.
Genome position (GRCh38, 1-based): chr9:128,908,561, C>T. VCF-style: chr9-128908561-C-T. GRCh37 (hg19) VCF-style: chr9-131670840-C-T.
Other names: c.1397C>T, p.Ala466Val (NM_001127244.2, NM_001127245.2); short protein forms A466V.
Identifiers: ClinVar variation 2999726 (VCV002999726.3), dbSNP rs1269974722, ClinGen allele CA375081045.

ClinVar aggregate classification (germline): Uncertain significance (1 of 4 stars; one submission).

Allele frequency attached by ClinVar (database versions not stated): gnomAD exomes 0.00001; TOPMed 0.00001.
gnomAD v4.1: 5 of 1,612,846 alleles (0.00031%); highest among the groups gnomAD compares: Non-Finnish European, 0.00042%; no homozygotes.

Submission:

Labcorp Genetics (formerly Invitae), Labcorp
Classification: Uncertain significance. Last evaluated: 2024-03-02. Review status: criteria provided, single submitter. Criteria: Invitae Variant Classification Sherloc (09022015). Collection method: clinical testing. Allele origin: germline.
Comment: This sequence change replaces alanine, which is neutral and non-polar, with valine, which is neutral and non-polar, at codon 466 of the LRRC8A protein (p.Ala466Val). This variant is present in population databases (no rsID available, gnomAD 0.0009%). This variant has not been reported in the literature in individuals affected with LRRC8A-related conditions. An algorithm developed to predict the effect of missense changes on protein structure and function (PolyPhen-2) suggests that this variant is likely to be disruptive. In summary, the available evidence is currently insufficient to determine the role of this variant in disease. Therefore, it has been classified as a Variant of Uncertain Significance.